The following is an entry in ClinVar:

NM_024757.5(EHMT1):c.2128G>A (p.Gly710Ser)

Gene: EHMT1 (euchromatic histone lysine methyltransferase 1; plus strand). Cytogenetic location: 9q34.3.
Variant type: single nucleotide variant.
Coding change: c.2128G>A on transcript NM_024757.5 (MANE Select); coding-DNA position 2128, G replaced by A.
Protein change: p.Gly710Ser; replaces glycine 710 with serine.
Molecular consequence: missense variant.
Genome position (GRCh38, 1-based): chr9:137,777,991, G>A. VCF-style: chr9-137777991-G-A. GRCh37 (hg19) VCF-style: chr9-140672443-G-A.
Other names: c.2128G>A, p.Gly710Ser (NM_001145527.2); c.2035G>A, p.Gly679Ser (NM_001354259.2); c.2107G>A, p.Gly703Ser (NM_001354263.2); short protein forms G710S, G679S, G703S.
Identifiers: ClinVar variation 96146 (VCV000096146.18), dbSNP rs398124403, ClinGen allele CA223764.

ClinVar aggregate classification (germline): Conflicting classifications of pathogenicity. Review status: criteria provided, conflicting classifications (1 of 4 stars). 5 submissions from 5 submitters: Uncertain significance (1); Benign (1); Likely benign (3). Last evaluated 2026-01-08.

Conditions:
EHMT1-related disorder. Also called: EHMT1-related condition.
Inborn genetic diseases. Identifiers: MedGen C0950123, MeSH D030342.
Kleefstra syndrome 1 (KLEFS1). Identifiers: Orphanet 261494, MedGen C0795833, MONDO:0027407, OMIM 610253.

Allele frequency attached by ClinVar (database versions not stated): gnomAD exomes 0.00002; TOPMed 0.00002; ExAC 0.00001; gnomAD 0.00001.
gnomAD v4.1: 28 of 1,613,674 alleles (0.0017%); highest among the groups gnomAD compares: African/African-American, 0.0053%; no homozygotes.

Submissions (5):

PreventionGenetics, part of Exact Sciences
Classification: Likely benign for EHMT1-related condition. Last evaluated: 2026-01-08. Review status: criteria provided, single submitter. Criteria: ACMG Guidelines, 2015. Collection method: clinical testing. Allele origin: germline.
Comment: This variant is classified as likely benign based on ACMG/AMP sequence variant interpretation guidelines (Richards et al. 2015 PMID: 25741868, with internal and published modifications).

Labcorp Genetics (formerly Invitae), Labcorp
Classification: Benign for Kleefstra syndrome 1. Last evaluated: 2025-09-24. Review status: criteria provided, single submitter. Criteria: Invitae Variant Classification Sherloc (09022015). Collection method: clinical testing. Allele origin: germline.

Ambry Genetics
Classification: Likely benign for Inborn genetic diseases. Last evaluated: 2024-03-28. Review status: criteria provided, single submitter. Criteria: Ambry Variant Classification Scheme 2023. Collection method: clinical testing. Allele origin: germline.

Blueprint Genetics
Classification: Likely benign. Last evaluated: 2024-03-05. Review status: criteria provided, single submitter. Criteria: ACMG Guidelines, 2015. Collection method: clinical testing. Allele origin: germline.

Eurofins Ntd Llc (ga)
Classification: Uncertain significance. Last evaluated: 2013-02-28. Review status: criteria provided, single submitter. Criteria: EGL Classification Definitions 2015. Collection method: clinical testing. Allele origin: germline. Observed: 1 variant allele, 1 heterozygote.